The following is an entry in ClinVar:

NM_178012.5(TUBB2B):c.1309G>C (p.Glu437Gln)

Gene: TUBB2B (tubulin beta 2B class IIb; minus strand). Cytogenetic location: 6p25.2.
Variant type: single nucleotide variant.
Coding change: c.1309G>C on transcript NM_178012.5 (MANE Select); coding-DNA position 1309, G replaced by C.
Protein change: p.Glu437Gln; replaces glutamic acid 437 with glutamine.
Molecular consequence: missense variant.
Genome position (GRCh38, 1-based): chr6:3,224,780, C>G on the plus strand (G>C on the coding strand, the complement: TUBB2B is on the minus strand). VCF-style: chr6-3224780-C-G. GRCh37 (hg19) VCF-style: chr6-3225014-C-G.
Other names: short protein forms E437Q.
Identifiers: ClinVar variation 1810451 (VCV001810451.2), dbSNP rs773869730, ClinGen allele CA362584163.

ClinVar aggregate classification (germline): Conflicting classifications of pathogenicity. Review status: criteria provided, conflicting classifications (1 of 4 stars). 2 submissions from 2 submitters: Uncertain significance (1); Likely benign (1). Last evaluated 2022-07-08.

Submissions (2):

GeneDx
Classification: Uncertain significance. Last evaluated: 2022-07-08. Review status: criteria provided, single submitter. Criteria: GeneDx Variant Classification Process June 2021. Collection method: clinical testing. Allele origin: germline. Affected: yes.
Comment: Not observed at significant frequency in large population cohorts (gnomAD); Missense variants in this gene are often considered pathogenic (HGMD); In silico analysis supports that this missense variant does not alter protein structure/function; Has not been previously published as pathogenic or benign to our knowledge; This variant is associated with the following publications: (PMID: 27010057)

Blueprint Genetics
Classification: Likely benign. Last evaluated: 2022-07-06. Review status: criteria provided, single submitter. Criteria: ACMG Guidelines, 2015. Collection method: clinical testing. Allele origin: germline.